The following is an entry in ClinVar:

ClinVar aggregate classification (germline): Conflicting classifications of pathogenicity. Review status: criteria provided, conflicting classifications (1 of 4 stars). 3 submissions from 3 submitters: Uncertain significance (1); Benign (1). 1 of the submissions does not count toward it. Last evaluated 2022-03-09.

Conditions:
WDR72-related disorder. Also called: WDR72-related condition.

Submissions (3):

Mayo Clinic Laboratories, Mayo Clinic
Classification: Benign. Last evaluated: 2022-03-09. Review status: criteria provided, single submitter. Criteria: ACMG Guidelines, 2015. Collection method: clinical testing. Allele origin: germline. Observed: 5 variant alleles.

Breakthrough Genomics
Classification: Uncertain significance. Review status: criteria provided, single submitter. Criteria: ACMG Guidelines, 2015. Collection method: not provided. Allele origin: germline. Inheritance: Autosomal recessive inheritance. Affected: yes.

PreventionGenetics, part of Exact Sciences
Classification: Benign for WDR72-related condition. Last evaluated: 2019-02-19. Review status: no assertion criteria provided. Collection method: clinical testing. Allele origin: germline. Not counted in ClinVar's aggregate classification.
Comment: This variant is classified as benign based on ACMG/AMP sequence variant interpretation guidelines (Richards et al. 2015 PMID: 25741868, with internal and published modifications).

NM_182758.4(WDR72):c.3149-30CT[14]

Gene: WDR72 (WD repeat domain 72; minus strand). Cytogenetic location: 15q21.3.
Variant type: Microsatellite.
Coding change: c.3149-30CT[14] on transcript NM_182758.4 (MANE Select); 14 copies in a row of the 2-base unit CT starting at c.3149-30; the reference has 11 copies in a row; three copies, 6 bases duplicated.
Molecular consequence: intron variant.
Genome position (GRCh38, 1-based): chr15:53,523,331-53,523,336, AGAGAG duplicated on the plus strand (CTCTCT on the coding strand, the reverse complement: WDR72 is on the minus strand); duplicating any 6 consecutive bases within chr15:53,523,331-53,523,353 gives the same sequence; the position shown is the placement nearest the transcript's 3' end. VCF-style (leftmost placement, unchanged base first): chr15-53523330-A-AAGAGAG. GRCh37 (hg19) VCF-style: chr15-53815527-A-AAGAGAG.
Other names: p.?; c.3149-14_3149-9dup (NM_182758.4); c.107-30CT[14] (NM_001277176.2).
Identifiers: ClinVar variation 316581 (VCV000316581.9), dbSNP rs57737580, ClinGen allele CA7570654.